The following is an entry in ClinVar:

NM_001267550.2(TTN):c.2995C>T (p.Arg999Cys)

Gene: TTN (titin; minus strand). Cytogenetic location: 2q31.2.
Variant type: single nucleotide variant.
Coding change: c.2995C>T on transcript NM_001267550.2 (MANE Select); coding-DNA position 2995, C replaced by T.
Protein change: p.Arg999Cys; replaces arginine 999 with cysteine.
Molecular consequence: missense variant.
Genome position (GRCh38, 1-based): chr2:178,782,911, G>A on the plus strand (C>T on the coding strand, the complement: TTN is on the minus strand). VCF-style: chr2-178782911-G-A. GRCh37 (hg19) VCF-style: chr2-179647638-G-A.
Other names: c.2995C>T, p.Arg999Cys (NM_133378.4, NM_001256850.1, NM_133379.5); c.2857C>T, p.Arg953Cys (NM_003319.4, NM_133432.3, NM_133437.4); short protein forms R999C, R953C.
Identifiers: ClinVar variation 192092 (VCV000192092.1), dbSNP rs142000511, ClinGen allele CA238314.
Genomic context (GRCh38, chr2:178,782,911, plus strand): 5'-TTACAGCACTGCAAGTAAATCGCCCGCTGTCTTCCGCAAATGCTTCGCGAATCATAAGAC[G>A]AGCAATTCCACTCTGGAAGGTTATCTGGAAGTCAATGGAACTTTCGATTTGGTAGTCTTC-3'
Protein context (NP_001254479.2, residues 989-1009): FQITFQSGIA[Arg999Cys]LMIREAFAED

ClinVar aggregate classification (germline): Uncertain significance (1 of 4 stars; one submission).

Allele frequency attached by ClinVar (database versions not stated): TOPMed below 0.00001; ExAC 0.00001; gnomAD exomes 0.00001; ESP Exome Variant Server 0.00008.
gnomAD v4.1: 10 of 1,614,032 alleles (0.00062%); highest among the groups gnomAD compares: South Asian, 0.0022%; no homozygotes.

Submission:

Biesecker Lab/Clinical Genomics Section, National Institutes of Health
Classification: Uncertain significance. Last evaluated: 2013-06-24. Review status: criteria provided, single submitter. Criteria: Ng et al. (Circ Cardiovasc Genet. 2013). Collection method: research. Allele origin: unknown. Observed: 1 variant allele. Study: ClinSeq.
Comment: The study set was not selected for affection status in relation to any cancer. Pathogenicity categories were based on literature curation. See Pubmed ID:23861362 for details.

Medical sequencing